The following is an entry in ClinVar:

ClinVar aggregate classification (germline): Pathogenic/Likely pathogenic. Review status: criteria provided, multiple submitters, no conflicts (2 of 4 stars). 2 submissions from 2 submitters: Pathogenic (1); Likely pathogenic (1). Last evaluated 2016-02-25.

Conditions:
DYRK1A-related intellectual disability syndrome (MRD7). Also called: Intellectual developmental disorder, autosomal dominant 7; DYRK1A Syndrome. Identifiers: Orphanet 464306, MedGen C5568143, MONDO:0013578, OMIM 614104.

Submissions (2):

GeneDx
Classification: Likely pathogenic. Last evaluated: 2016-02-25. Review status: criteria provided, single submitter. Criteria: GeneDx Variant Classification (06012015). Collection method: clinical testing. Allele origin: germline. Affected: yes.
Comment: The Q547X variant in the DYRK1A gene has not been reported previously as a pathogenic variant nor as a benign variant, to our knowledge. This variant is predicted to cause loss of normal protein function through protein truncation. The Q547X variant was not observed in approximately 6500 individuals of European and African American ancestry in the NHLBI Exome Sequencing Project, indicating it is not a common benign variant in these populations. The Q547X variant is a strong candidate for a pathogenic variant.

HudsonAlpha Institute for Biotechnology
Classification: Pathogenic for DYRK1A-related intellectual disability syndrome. Last evaluated: 2015-12-10. Review status: criteria provided, single submitter. Criteria: HA_assertions_20161101. Collection method: research. Allele origin: de novo. Affected: yes. Observed: 1 variant allele. Study: CSER-HudsonAlpha.

NM_001347721.2(DYRK1A):c.1612C>T (p.Gln538Ter)

Gene: DYRK1A (dual specificity tyrosine phosphorylation regulated kinase 1A; plus strand). Cytogenetic location: 21q22.13.
Variant type: single nucleotide variant.
Coding change: c.1612C>T on transcript NM_001347721.2 (MANE Select); coding-DNA position 1612, C replaced by T.
Protein change: p.Gln538Ter; replaces glutamine 538 with a stop codon.
Molecular consequence: nonsense. On other transcripts: intron variant (1).
Genome position (GRCh38, 1-based): chr21:37,506,191, C>T. VCF-style: chr21-37506191-C-T. GRCh37 (hg19) VCF-style: chr21-38878494-C-T.
Other names: c.1612C>T, p.Gln538Ter (NM_001347722.2, NM_130436.2); c.1525C>T, p.Gln509Ter (NM_001347723.2); c.1639C>T, p.Gln547Ter (NM_001396.5, NM_101395.2); c.1546+602C>T (NM_130438.2); short protein forms Q547*, Q538*, Q509*.
Identifiers: ClinVar variation 224154 (VCV000224154.3), dbSNP rs869312708, ClinGen allele CA353407.
Genomic context (GRCh38, chr21:37,506,191, plus strand): 5'-GCCCGGTCGGATCCGACGCACCAGCATCGGCACAGTGGTGGGCACTTCACAGCTGCCGTG[C>T]AGGCCATGGACTGCGAGACACACAGTCCCCAGGTGAGCTCGCACGTGGTTCATTTGCTTG-3'